The following is an entry in ClinVar:

ClinVar aggregate classification (germline): Benign (1 of 4 stars; one submission).

Conditions:
Autosomal dominant pseudohypoaldosteronism type 1. Also called: Pseudohypoaldosteronism, Type I, Autosomal Dominant; PHA I, AUTOSOMAL DOMINANT; Pseudohypoaldosteronism, Type I, Dominant. Identifiers: Orphanet 171871, Orphanet 756, MedGen C1449842, MONDO:0008329, OMIM 177735.

Allele frequency attached by ClinVar (database versions not stated): 1000 Genomes Project 30x 0.00031; 1000 Genomes Project 0.00060; gnomAD 0.00115 and 0.00127; TOPMed 0.00125.

Submission:

Illumina Laboratory Services, Illumina
Classification: Benign for Autosomal dominant pseudohypoaldosteronism type 1. Last evaluated: 2018-01-12. Review status: criteria provided, single submitter. Criteria: ICSL Variant Classification Criteria 13 December 2019. Collection method: clinical testing. Allele origin: germline.
Comment: This variant was observed in the ICSL laboratory as part of a predisposition screen in an ostensibly healthy population. It had not been previously curated by ICSL or reported in the Human Gene Mutation Database (HGMD: prior to June 1st, 2018), and was therefore a candidate for classification through an automated scoring system. Utilizing variant allele frequency, disease prevalence and penetrance estimates, and inheritance mode, an automated score was calculated to assess if this variant is too frequent to cause the disease. Based on the score and internal cut-off values, a variant classified as benign is not then subjected to further curation. The score for this variant resulted in a classification of benign for this disease.

NM_000901.5(NR3C2):c.*2388T>C

Gene: NR3C2 (nuclear receptor subfamily 3 group C member 2; minus strand). Cytogenetic location: 4q31.23.
Variant type: single nucleotide variant.
Coding change: c.*2388T>C on transcript NM_000901.5 (MANE Select); 2388 bases downstream of the stop codon, T replaced by C.
Molecular consequence: 3 prime UTR variant. On other transcripts: non-coding transcript variant (1).
Genome position (GRCh38, 1-based): chr4:148,078,956, A>G on the plus strand (T>C on the coding strand, the complement: NR3C2 is on the minus strand). VCF-style: chr4-148078956-A-G. GRCh37 (hg19) VCF-style: chr4-149000107-A-G.
Other names: c.*2388T>C (NM_001166104.2, NM_001354819.1).
Identifiers: ClinVar variation 347675 (VCV000347675.5), dbSNP rs5537, ClinGen allele CA10617149.